The following is an entry in ClinVar:

NM_003612.5(SEMA7A):c.1197G>A (p.Thr399=)

Gene: SEMA7A (semaphorin 7A (JohnMiltonHagen blood group); minus strand). Cytogenetic location: 15q24.1.
Variant type: single nucleotide variant.
Coding change: c.1197G>A on transcript NM_003612.5 (MANE Select); coding-DNA position 1197, G replaced by A.
Protein change: p.Thr399=; no amino-acid change (threonine 399 retained).
Molecular consequence: synonymous variant.
Genome position (GRCh38, 1-based): chr15:74,414,644, C>T on the plus strand (G>A on the coding strand, the complement: SEMA7A is on the minus strand). VCF-style: chr15-74414644-C-T. GRCh37 (hg19) VCF-style: chr15-74706985-C-T.
Other names: c.1155G>A, p.Thr385= (NM_001146029.3); c.702G>A, p.Thr234= (NM_001146030.3); c.1197G>A (NM_003612.4).
Identifiers: ClinVar variation 3629819 (VCV003629819.2).

ClinVar aggregate classification (germline): Likely benign. Review status: criteria provided, multiple submitters, no conflicts (2 of 4 stars). 2 submissions from 2 submitters: Likely benign (2). Last evaluated 2026-01-06.

Conditions:
SEMA7A-related disorder. Also called: SEMA7A-related condition.

gnomAD v4.1: 456 of 1,614,162 alleles (0.028%); highest among the groups gnomAD compares: African/African-American, 0.27%; no homozygotes.

Submissions (2):

PreventionGenetics, part of Exact Sciences
Classification: Likely benign for SEMA7A-related condition. Last evaluated: 2026-01-06. Review status: criteria provided, single submitter. Criteria: ACMG Guidelines, 2015. Collection method: clinical testing. Allele origin: germline.
Comment: This variant is classified as likely benign based on ACMG/AMP sequence variant interpretation guidelines (Richards et al. 2015 PMID: 25741868, with internal and published modifications).

Women's Health and Genetics/Laboratory Corporation of America, LabCorp
Classification: Likely benign. Last evaluated: 2024-11-05. Review status: criteria provided, single submitter. Criteria: LabCorp Variant Classification Summary - May 2015. Collection method: clinical testing. Allele origin: germline.